The following is an entry in ClinVar:

NM_012330.4(KAT6B):c.1054C>T (p.Arg352Ter)

Gene: KAT6B (lysine acetyltransferase 6B; plus strand). Cytogenetic location: 10q22.2.
Variant type: single nucleotide variant.
Coding change: c.1054C>T on transcript NM_012330.4 (MANE Select); coding-DNA position 1054, C replaced by T.
Protein change: p.Arg352Ter; replaces arginine 352 with a stop codon.
Molecular consequence: nonsense. On other transcripts: intron variant (5).
Genome position (GRCh38, 1-based): chr10:74,972,632, C>T. VCF-style: chr10-74972632-C-T. GRCh37 (hg19) VCF-style: chr10-76732390-C-T.
Other names: c.1054C>T, p.Arg352Ter (NM_001370141.1, NM_001370142.1, NM_001256468.2 and 7 more transcripts); c.846+2857C>T (NM_001370133.1); c.193-6592C>T (NM_001370134.1); c.928+2531C>T (NM_001370143.1, NM_001370144.1); c.192+12554C>T (NM_001370135.1); short protein forms R352*.
Identifiers: ClinVar variation 4085197 (VCV004085197.9).

ClinVar aggregate classification (germline): Pathogenic. Review status: criteria provided, multiple submitters, no conflicts (2 of 4 stars). 2 submissions from 2 submitters: Pathogenic (2). Last evaluated 2025-06-01.

Conditions:
KAT6B-related disorder. Also called: KAT6B-related disorders; KAT6B-related condition.

Submissions (2):

CeGaT Center for Human Genetics Tuebingen
Classification: Pathogenic. Last evaluated: 2025-06-01. Review status: criteria provided, single submitter. Criteria: CeGaT Center For Human Genetics Tuebingen Variant Classification Criteria Version 2. Collection method: clinical testing. Allele origin: germline. Affected: yes. Observed: 1 variant allele.
Comment: KAT6B: PVS1, PM2

Blueprint Genetics
Classification: Pathogenic for KAT6B-related disorders. Last evaluated: 2024-11-01. Review status: criteria provided, single submitter. Criteria: ACMG Guidelines, 2015. Collection method: clinical testing. Allele origin: germline. Affected: yes. Observed: 1 variant allele.